The following is an entry in ClinVar:

ClinVar aggregate classification (germline): Pathogenic (1 of 4 stars; one submission).

Submission:

Labcorp Genetics (formerly Invitae), Labcorp
Classification: Pathogenic. Last evaluated: 2023-02-09. Review status: criteria provided, single submitter. Criteria: Invitae Variant Classification Sherloc (09022015). Collection method: clinical testing. Allele origin: unknown.
Comment: This variant disrupts a region of the CHM protein in which other variant(s) (deletion of exon 3-8) have been determined to be pathogenic (PMID: 27986385). This suggests that this is a clinically significant region of the protein, and that variants that disrupt it are likely to be disease-causing. A similar copy number variant has been observed in individual(s) with choroideremia (PMID: 16936131). This variant is a gross deletion of the genomic region encompassing exon(s) 3-9 of the CHM gene. This variant would be expected to be in-frame, preserving the integrity of the reading frame. For these reasons, this variant has been classified as Pathogenic.

Literature cited by the submitters: PubMed 27986385; PubMed 16936131.

NC_000023.10:g.(?_85166246)_(85236833_?)del

Gene: CHM (CHM Rab escort protein; minus strand). Cytogenetic location: Xq21.2.
Variant type: Deletion.
Identifiers: ClinVar variation 3245888 (VCV003245888.1).